The following is an entry in ClinVar:

ClinVar aggregate classification (germline): Uncertain significance (1 of 4 stars; one submission).

gnomAD v4.1: 6 of 1,606,146 alleles (0.00037%); highest among the groups gnomAD compares: Non-Finnish European, 0.00051%; no homozygotes.

Submission:

Athena Diagnostics
Classification: Uncertain significance. Last evaluated: 2024-08-07. Review status: criteria provided, single submitter. Criteria: Athena Diagnostics Criteria. Collection method: clinical testing. Allele origin: unknown.
Comment: Available data are insufficient to determine the clinical significance of the variant at this time. This variant has not been reported in large, multi-ethnic general populations. Computational tools yielded inconclusive predictions regarding the effect of this variant on RNA splicing. Polyphen and MutationTaster predict this amino acid change may be benign.

NM_014231.5(VAMP1):c.*1631G>T

Genes: TAPBPL (TAP binding protein like; plus strand), VAMP1 (vesicle associated membrane protein 1; minus strand). Cytogenetic location: 12p13.31.
Variant type: single nucleotide variant.
Coding change: c.*1631G>T on transcript NM_014231.5 (MANE Select); 1631 bases downstream of the stop codon, G replaced by T.
Molecular consequence: 3 prime UTR variant. On other transcripts: missense variant (1), non-coding transcript variant (1).
Genome position (GRCh38, 1-based): chr12:6,462,839, C>A on the plus strand (G>T on the coding strand, the complement: VAMP1 is on the minus strand). VCF-style: chr12-6462839-C-A. GRCh37 (hg19) VCF-style: chr12-6572005-C-A.
Other names: c.*120G>T (NM_001297438.2); c.344G>T, p.Arg115Leu (NM_016830.4); c.*2037G>T (NM_199245.3); short protein forms R115L.
Identifiers: ClinVar variation 3571757 (VCV003571757.1).